The following is an entry in ClinVar:

ClinVar aggregate classification (germline): Pathogenic (1 of 4 stars; one submission).

Conditions:
Hypertrophic cardiomyopathy 4. Also called: Familial hypertrophic cardiomyopathy 4. Identifiers: MedGen C1861862, MONDO:0007268, OMIM 115197.

Submission:

Molecular Genetics Laboratory, Motol Hospital
Classification: Pathogenic for Hypertrophic cardiomyopathy 4. Last evaluated: 2026-06-04. Review status: criteria provided, single submitter. Criteria: ACMG Guidelines, 2015. Collection method: clinical testing. Allele origin: germline. Affected: yes. Observed: 5 variant alleles.
Comment: Detected in 5 unrelated individuals with hypertrophic cardiomyopathy (PS4). A rare variant not present in non-Finnish European population (PM2). Rare truncating variants in the MYBPC3 gene are associated with familial hypertrophic cardiomyopathy (PVS1). The variant c.696del is classified as pathogenic.

Literature cited by the submitters: PubMed 37445689; PubMed 39581692.

NM_000256.3(MYBPC3):c.696del (p.Phe233fs)

Gene: MYBPC3 (myosin binding protein C3; minus strand). Cytogenetic location: 11p11.2.
Variant type: Deletion.
Coding change: c.696del on transcript NM_000256.3 (MANE Select); coding-DNA position 696, one base deleted (C; older notation c.696delC).
Protein change: p.Phe233fs; shifts the reading frame from phenylalanine 233.
Molecular consequence: frameshift variant.
Genome position (GRCh38, 1-based): chr11:47,348,500, G deleted on the plus strand (C on the coding strand, the reverse complement: MYBPC3 is on the minus strand); the first of 2 consecutive G bases (chr11:47,348,500-47,348,501); deleting either gives the same sequence. VCF-style (leftmost placement, unchanged base first): chr11-47348499-AG-A. GRCh37 (hg19) VCF-style: chr11-47370050-AG-A.
Other names: short protein forms F233fs.
Identifiers: ClinVar variation 4856611 (VCV004856611.1).